The following is an entry in ClinVar:

NM_001367561.1(DOCK7):c.940C>T (p.Arg314Cys)

Gene: DOCK7 (dedicator of cytokinesis 7; minus strand). Cytogenetic location: 1p31.3.
Variant type: single nucleotide variant.
Coding change: c.940C>T on transcript NM_001367561.1 (MANE Select); coding-DNA position 940, C replaced by T.
Protein change: p.Arg314Cys; replaces arginine 314 with cysteine.
Molecular consequence: missense variant.
Genome position (GRCh38, 1-based): chr1:62,634,868, G>A on the plus strand (C>T on the coding strand, the complement: DOCK7 is on the minus strand). VCF-style: chr1-62634868-G-A. GRCh37 (hg19) VCF-style: chr1-63100539-G-A.
Other names: c.940C>T (NM_033407.2); c.940C>T, p.Arg314Cys (NM_001271999.2, NM_001272000.2, NM_001272001.2 and 3 more transcripts); short protein forms R314C.
Identifiers: ClinVar variation 1353285 (VCV001353285.5), dbSNP rs768515222, ClinGen allele CA887069.

ClinVar aggregate classification (germline): Uncertain significance. Review status: criteria provided, multiple submitters, no conflicts (2 of 4 stars). 3 submissions from 3 submitters: Uncertain significance (3). Last evaluated 2025-06-18.

Conditions:
Inborn genetic diseases. Identifiers: MedGen C0950123, MeSH D030342.
Developmental and epileptic encephalopathy, 23 (DEE23). Also called: Epileptic encephalopathy, early infantile, 23. Identifiers: Orphanet 411986, MedGen C4014492, MONDO:0014371, OMIM 615859.

Allele frequency attached by ClinVar (database versions not stated): ExAC 0.00002; gnomAD exomes 0.00002; gnomAD 0.00003; TOPMed 0.00004.

Submissions (3):

Ambry Genetics
Classification: Uncertain significance for Inborn genetic diseases. Last evaluated: 2025-06-18. Review status: criteria provided, single submitter. Criteria: Ambry Variant Classification Scheme 2023. Collection method: clinical testing. Allele origin: germline.

Blueprint Genetics
Classification: Uncertain significance. Last evaluated: 2023-09-27. Review status: criteria provided, single submitter. Criteria: ACMG Guidelines, 2015. Collection method: clinical testing. Allele origin: germline.

Labcorp Genetics (formerly Invitae), Labcorp
Classification: Uncertain significance for Developmental and epileptic encephalopathy, 23. Last evaluated: 2022-07-26. Review status: criteria provided, single submitter. Criteria: Invitae Variant Classification Sherloc (09022015). Collection method: clinical testing. Allele origin: germline.
Comment: This sequence change replaces arginine, which is basic and polar, with cysteine, which is neutral and slightly polar, at codon 314 of the DOCK7 protein (p.Arg314Cys). This variant is present in population databases (rs768515222, gnomAD 0.02%). This variant has not been reported in the literature in individuals affected with DOCK7-related conditions. ClinVar contains an entry for this variant (Variation ID: 1353285). Algorithms developed to predict the effect of missense changes on protein structure and function are either unavailable or do not agree on the potential impact of this missense change (SIFT: "Tolerated"; PolyPhen-2: "Probably Damaging"; Align-GVGD: "Class C0"). In summary, the available evidence is currently insufficient to determine the role of this variant in disease. Therefore, it has been classified as a Variant of Uncertain Significance.